The following is an entry in ClinVar:

NM_152783.5(D2HGDH):c.685-9T>C

Gene: D2HGDH (D-2-hydroxyglutarate dehydrogenase; plus strand). Cytogenetic location: 2q37.3.
Variant type: single nucleotide variant.
Coding change: c.685-9T>C on transcript NM_152783.5 (MANE Select); 9 bases into the intron before coding-DNA position 685, T replaced by C.
Molecular consequence: intron variant.
Genome position (GRCh38, 1-based): chr2:241,744,700, T>C. VCF-style: chr2-241744700-T-C. GRCh37 (hg19) VCF-style: chr2-242684115-T-C.
Other names: c.124-9T>C (NM_001352824.2); c.283-9T>C (NM_001287249.2).
Identifiers: ClinVar variation 158423 (VCV000158423.27), dbSNP rs4234097, ClinGen allele CA171844.
Genomic context (GRCh38, chr2:241,744,700, plus strand): 5'-GCCCCGGAGGCGACCGACGTCTTGTCAGGAGGCTGGCAGGTGGGTGAACGTGCTTCTCTT[T>C]GCCCCAAGGTGCTGGCCGACGGCACTGTCCTGGACTGCCTGACCTCCCTGAGGAAGGACA-3'

ClinVar aggregate classification (germline): Benign/Likely benign. Review status: criteria provided, multiple submitters, no conflicts (2 of 4 stars). 8 submissions from 8 submitters: Benign (5); Likely benign (2). 1 of the submissions does not count toward it. Last evaluated 2026-02-03.

Conditions:
D-2-hydroxyglutaric aciduria 1 (D2HGA1). Identifiers: Orphanet 79315, MedGen C3152055, MONDO:0024554, OMIM 600721.

Allele frequency attached by ClinVar (database versions not stated): gnomAD exomes 0.48388; ExAC 0.48836; gnomAD 0.55052 and 0.55730; ESP Exome Variant Server 0.55932; 1000 Genomes Project 0.56110; 1000 Genomes Project 30x 0.56793; TOPMed 0.56923.
gnomAD v4.1: 756,508 of 1,613,924 alleles (47%); highest among the groups gnomAD compares: African/African-American, 80%; 182,790 homozygotes.

Submissions (8):

Labcorp Genetics (formerly Invitae), Labcorp
Classification: Benign for D-2-hydroxyglutaric aciduria 1. Last evaluated: 2026-02-03. Review status: criteria provided, single submitter. Criteria: Invitae Variant Classification Sherloc (09022015). Collection method: clinical testing. Allele origin: germline.

Blueprint Genetics
Classification: Benign. Last evaluated: 2024-11-26. Review status: criteria provided, single submitter. Criteria: ACMG Guidelines, 2015. Collection method: clinical testing. Allele origin: germline.

Genome-Nilou Lab
Classification: Benign for D-2-hydroxyglutaric aciduria 1. Last evaluated: 2021-07-30. Review status: criteria provided, single submitter. Criteria: ACMG Guidelines, 2015. Collection method: clinical testing. Allele origin: germline. Affected: no.

GeneDx
Classification: Benign. Last evaluated: 2021-05-04. Review status: criteria provided, single submitter. Criteria: GeneDx Variant Classification Process June 2021. Collection method: clinical testing. Allele origin: germline. Affected: yes.

Illumina Laboratory Services, Illumina
Classification: Benign for D-2-hydroxyglutaric aciduria 1. Last evaluated: 2018-01-13. Review status: criteria provided, single submitter. Criteria: ICSL Variant Classification Criteria 13 December 2019. Collection method: clinical testing. Allele origin: germline.
Comment: This variant was observed in the ICSL laboratory as part of a predisposition screen in an ostensibly healthy population. It had not been previously curated by ICSL or reported in the Human Gene Mutation Database (HGMD: prior to June 1st, 2018), and was therefore a candidate for classification through an automated scoring system. Utilizing variant allele frequency, disease prevalence and penetrance estimates, and inheritance mode, an automated score was calculated to assess if this variant is too frequent to cause the disease. Based on the score and internal cut-off values, a variant classified as benign is not then subjected to further curation. The score for this variant resulted in a classification of benign for this disease.

Genetic Services Laboratory, University of Chicago
Classification: Likely benign. Last evaluated: 2013-10-31. Review status: criteria provided, single submitter. Criteria: ACMG Guidelines, 2007. Collection method: clinical testing. Allele origin: germline. Inheritance: Autosomal recessive inheritance.
Comment: Likely benign based on allele frequency in 1000 Genomes Project or ESP global frequency and its presence in a patient with a rare or unrelated disease phenotype. NOT Sanger confirmed

Breakthrough Genomics
Classification: Likely benign. Review status: criteria provided, single submitter. Criteria: ACMG Guidelines, 2015. Collection method: not provided. Allele origin: germline. Inheritance: Autosomal recessive inheritance. Affected: yes.

Mayo Clinic Laboratories, Mayo Clinic
Classification: Benign. Last evaluated: 2016-02-15. Review status: no assertion criteria provided. Collection method: clinical testing. Allele origin: unknown. Not counted in ClinVar's aggregate classification.